The following is an entry in ClinVar:

NM_201599.3(ZMYM3):c.635G>T (p.Gly212Val)

Gene: ZMYM3 (zinc finger MYM-type containing 3; minus strand). Cytogenetic location: Xq13.1.
Variant type: single nucleotide variant.
Coding change: c.635G>T on transcript NM_201599.3 (MANE Select); coding-DNA position 635, G replaced by T.
Protein change: p.Gly212Val; replaces glycine 212 with valine.
Molecular consequence: missense variant.
Genome position (GRCh38, 1-based): chrX:71,252,621, C>A on the plus strand (G>T on the coding strand, the complement: ZMYM3 is on the minus strand). VCF-style: chrX-71252621-C-A. GRCh37 (hg19) VCF-style: chrX-70472471-C-A.
Other names: c.635G>T, p.Gly212Val (NM_001171162.1, NM_001171163.1, NM_005096.3); short protein forms G212V.
Identifiers: ClinVar variation 3030092 (VCV003030092.2), dbSNP rs752294993, ClinGen allele CA413527722.

ClinVar aggregate classification (germline): Uncertain significance (0 of 4 stars; one submission).

Conditions:
ZMYM3-related disorder. Also called: ZMYM3-related condition.

Submission:

PreventionGenetics, part of Exact Sciences
Classification: Uncertain significance for ZMYM3-related condition. Last evaluated: 2024-01-26. Review status: no assertion criteria provided. Collection method: clinical testing. Allele origin: germline.
Comment: The ZMYM3 c.635G>T variant is predicted to result in the amino acid substitution p.Gly212Val. To our knowledge, this variant has not been reported in the literature or in a large population database, indicating this variant is rare. At this time, the clinical significance of this variant is uncertain due to the absence of conclusive functional and genetic evidence.